The following is an entry in ClinVar:

NM_001378452.1(ITPR1):c.5995C>A (p.Gln1999Lys)

Gene: ITPR1 (inositol 1,4,5-trisphosphate receptor type 1; plus strand). Cytogenetic location: 3p26.1.
Variant type: single nucleotide variant.
Coding change: c.5995C>A on transcript NM_001378452.1 (MANE Select); coding-DNA position 5995, C replaced by A.
Protein change: p.Gln1999Lys; replaces glutamine 1999 with lysine.
Molecular consequence: missense variant.
Genome position (GRCh38, 1-based): chr3:4,775,257, C>A. VCF-style: chr3-4775257-C-A. GRCh37 (hg19) VCF-style: chr3-4816941-C-A.
Other names: c.5851C>A, p.Gln1951Lys (NM_001099952.4); c.5950C>A, p.Gln1984Lys (NM_001168272.2); c.5806C>A, p.Gln1936Lys (NM_002222.7); short protein forms Q1999K, Q1951K, Q1936K, Q1984K.
Identifiers: ClinVar variation 4745928 (VCV004745928.1).

ClinVar aggregate classification (germline): Uncertain significance (1 of 4 stars; one submission).

Submission:

Labcorp Genetics (formerly Invitae), Labcorp
Classification: Uncertain significance. Last evaluated: 2025-10-08. Review status: criteria provided, single submitter. Criteria: Invitae Variant Classification Sherloc (09022015). Collection method: clinical testing. Allele origin: germline.
Comment: This sequence change replaces glutamine, which is neutral and polar, with lysine, which is basic and polar, at codon 1936 of the ITPR1 protein (p.Gln1936Lys). This variant is not present in population databases (gnomAD no frequency). This variant has not been reported in the literature in individuals affected with ITPR1-related conditions. Invitae Evidence Modeling of protein sequence and biophysical properties (such as structural, functional, and spatial information, amino acid conservation, physicochemical variation, residue mobility, and thermodynamic stability) indicates that this missense variant is expected to disrupt ITPR1 protein function with a positive predictive value of 95%. In summary, the available evidence is currently insufficient to determine the role of this variant in disease. Therefore, it has been classified as a Variant of Uncertain Significance.